The following is an entry in ClinVar:

NM_000484.4(APP):c.534G>T (p.Lys178Asn)

Gene: APP (amyloid beta precursor protein; minus strand). Cytogenetic location: 21q21.3.
Variant type: single nucleotide variant.
Coding change: c.534G>T on transcript NM_000484.4 (MANE Select); coding-DNA position 534, G replaced by T.
Protein change: p.Lys178Asn; replaces lysine 178 with asparagine.
Molecular consequence: missense variant.
Genome position (GRCh38, 1-based): chr21:26,051,128, C>A on the plus strand (G>T on the coding strand, the complement: APP is on the minus strand). VCF-style: chr21-26051128-C-A. GRCh37 (hg19) VCF-style: chr21-27423444-C-A.
Other names: c.519G>T, p.Lys173Asn (NM_001136016.3); c.366G>T, p.Lys122Asn (NM_001136129.3, NM_001136130.3); c.429G>T, p.Lys143Asn (NM_001136131.3); c.534G>T, p.Lys178Asn (NM_001204301.2, NM_001204302.2, NM_001204303.2 and 3 more transcripts); short protein forms K178N, K143N, K122N, K173N.
Identifiers: ClinVar variation 2793300 (VCV002793300.3), dbSNP rs2516934402, ClinGen allele CA409862957.

ClinVar aggregate classification (germline): Uncertain significance (1 of 4 stars; one submission).

Conditions:
Alzheimer disease. Also called: Presenile and senile dementia; Alzheimer's disease. Identifiers: Orphanet 1020, MedGen C0002395, MeSH D000544, MONDO:0004975, HP:0002511.

Submission:

Labcorp Genetics (formerly Invitae), Labcorp
Classification: Uncertain significance for Alzheimer disease. Last evaluated: 2023-10-23. Review status: criteria provided, single submitter. Criteria: Invitae Variant Classification Sherloc (09022015). Collection method: clinical testing. Allele origin: germline.
Comment: This sequence change replaces lysine, which is basic and polar, with asparagine, which is neutral and polar, at codon 178 of the APP protein (p.Lys178Asn). This variant is not present in population databases (gnomAD no frequency). This variant has not been reported in the literature in individuals affected with APP-related conditions. Advanced modeling of protein sequence and biophysical properties (such as structural, functional, and spatial information, amino acid conservation, physicochemical variation, residue mobility, and thermodynamic stability) performed at Invitae indicates that this missense variant is not expected to disrupt APP protein function. In summary, the available evidence is currently insufficient to determine the role of this variant in disease. Therefore, it has been classified as a Variant of Uncertain Significance.